The following is an entry in ClinVar:

NM_001273.5(CHD4):c.1483-2A>G

Gene: CHD4 (chromodomain helicase DNA binding protein 4; minus strand). Cytogenetic location: 12p13.31.
Variant type: single nucleotide variant.
Coding change: c.1483-2A>G on transcript NM_001273.5 (MANE Select); the canonical splice acceptor site of the intron before coding-DNA position 1483, A replaced by G.
Molecular consequence: splice acceptor variant.
Genome position (GRCh38, 1-based): chr12:6,598,427, T>C on the plus strand (A>G on the coding strand, the complement: CHD4 is on the minus strand). VCF-style: chr12-6598427-T-C. GRCh37 (hg19) VCF-style: chr12-6707593-T-C.
Other names: NC_000012.11:g.6707593T>C; c.1444-2A>G (NM_001363606.2); c.1462-2A>G (NM_001297553.2).
Identifiers: ClinVar variation 1326839 (VCV001326839.4), dbSNP rs2136221257, ClinGen allele CA383599284.

ClinVar aggregate classification (germline): Likely pathogenic (1 of 4 stars; one submission).

Submissions (2):

GeneDx
Classification: Likely pathogenic. Last evaluated: 2024-08-05. Review status: criteria provided, single submitter. Criteria: GeneDx Variant Classification Process June 2021. Collection method: clinical testing. Allele origin: germline. Affected: yes.
Comment: Canonical splice site variant predicted to result in an in-frame loss of the adjacent exon in a gene for which loss of function is a known mechanism of disease; Not observed at significant frequency in large population cohorts (gnomAD); Has not been previously published as pathogenic or benign to our knowledge

Dr. Peter K. Rogan Lab, Western University
No classification provided (evidence only). Condition: Ovarian serous cystadenocarcinoma. Review status: no classification provided. Collection method: in vitro. Allele origin: not applicable. Functional consequence: retained intron. Not counted in ClinVar's aggregate classification.